The following is an entry in ClinVar:

ClinVar aggregate classification (germline): Likely pathogenic. Review status: criteria provided, multiple submitters, no conflicts (2 of 4 stars). 2 submissions from 2 submitters: Likely pathogenic (2). Last evaluated 2022-03-22.

Conditions:
Epilepsy, progressive myoclonic, 11. Identifiers: MedGen C5394362, MONDO:0030034, OMIM 618876.

Submissions (2):

3billion
Classification: Likely pathogenic for Epilepsy, progressive myoclonic, 11. Last evaluated: 2022-03-22. Review status: criteria provided, single submitter. Criteria: ACMG Guidelines, 2015. Collection method: clinical testing. Allele origin: germline. Affected: yes. Observed: 1 heterozygote.
Comment: Frameshift: predicted to result in a loss or disruption of normal protein function through nonsense-mediated decay (NMD) or protein truncation. Multiple pathogenic variants are reported downstream of the variant.It is not observed in the gnomAD v2.1.1 dataset. Therefore, this variant is classified as likely pathogenic according to the recommendation of ACMG/AMP guideline.

MGZ Medical Genetics Center
Classification: Likely pathogenic for Epilepsy, progressive myoclonic, 11. Last evaluated: 2022-02-18. Review status: criteria provided, single submitter. Criteria: ACMG Guidelines, 2015. Collection method: clinical testing. Allele origin: germline. Affected: yes. Observed: 1 variant allele.
Comment: ACMG criteria applied: PVS1, PM2_SUP

NM_032108.4(SEMA6B):c.1534_1537del (p.Ala512fs)

Gene: SEMA6B (semaphorin 6B; minus strand). Cytogenetic location: 19p13.3.
Variant type: Microsatellite.
Coding change: c.1534_1537del on transcript NM_032108.4 (MANE Select); coding-DNA positions 1534 to 1537, 4 bases deleted (GCTG; older notation c.1534_1537delGCTG).
Protein change: p.Ala512fs; shifts the reading frame from alanine 512.
Molecular consequence: frameshift variant.
Genome position (GRCh38, 1-based): chr19:4,548,091-4,548,094, CAGC deleted on the plus strand (GCTG on the coding strand, the reverse complement: SEMA6B is on the minus strand); deleting any 4 consecutive bases within chr19:4,548,091-4,548,098 gives the same sequence; the c. name uses the placement nearest the transcript's 3' end. VCF-style (leftmost placement, unchanged base first): chr19-4548090-GCAGC-G. GRCh37 (hg19) VCF-style: chr19-4548102-GCAGC-G.
Other names: short protein forms A512fs.
Identifiers: ClinVar variation 1526211 (VCV001526211.3), dbSNP rs2145347825, ClinGen allele CA2580613028.
Genomic context (GRCh38, chr19:4,548,090, plus strand): 5'-ATACACCCCGAGTACTGCTGGCAGCGAGCCACAGGCACTCGGACCACGCAGCGGGGGAAG[GCAGC>G]CAGCAGGCCCCCCGAAGCTGCGTCCAGCTCCAAGCTCAGCAGCCGCTGCCCTGTCTCGCC-3'